The following is an entry in ClinVar:

NM_003995.4(NPR2):c.748del (p.Tyr250fs)

Gene: NPR2 (natriuretic peptide receptor 2; plus strand). Cytogenetic location: 9p13.3.
Variant type: Deletion.
Coding change: c.748del on transcript NM_003995.4 (MANE Select); coding-DNA position 748, one base deleted (T; older notation c.748delT).
Protein change: p.Tyr250fs; shifts the reading frame from tyrosine 250.
Molecular consequence: frameshift variant.
Genome position (GRCh38, 1-based): chr9:35,793,978, T deleted; the last of 2 consecutive T bases (chr9:35,793,977-35,793,978); deleting either gives the same sequence. VCF-style (leftmost placement, unchanged base first): chr9-35793976-AT-A. GRCh37 (hg19) VCF-style: chr9-35793973-AT-A.
Other names: c.748delT (NM_003995.4); short protein forms Y250fs.
Identifiers: ClinVar variation 873146 (VCV000873146.2), dbSNP rs1827867580, ClinGen allele CA1139660981.

ClinVar aggregate classification (germline): Pathogenic (1 of 4 stars; one submission).

Conditions:
Acromesomelic dysplasia 1, Maroteaux type (AMD1). Also called: ACROMESOMELIC DYSPLASIA 1; ST. HELENA DYSPLASIA. Identifiers: Orphanet 40, MedGen C1864356, MONDO:0011275, OMIM 602875.

Submission:

Hacettepe Genetic Diseases Diagnosis Center, Hacettepe University Faculty of Medicine
Classification: Pathogenic for Acromesomelic dysplasia 1, Maroteaux type. Last evaluated: 2020-05-08. Review status: criteria provided, single submitter. Criteria: ACMG Guidelines, 2015. Collection method: clinical testing. Allele origin: germline. Inheritance: Autosomal recessive inheritance. Affected: yes. Observed: 1 compound heterozygote.
Comment: Of these variants, one was a novel frameshift variant (c.748delT, p.Tyr250MetfsTer46) in exon 2, leading to premature protein truncation. The identified mutation has not been reported in ExAC and gnomAD databases. This variant was classified as pathogenic based on ACMG variant classification guidelines and predicted to be disease causing by in silico analysis such as MutationTaster.